The following is an entry in ClinVar:

ClinVar aggregate classification (germline): Benign/Likely benign. Review status: criteria provided, multiple submitters, no conflicts (2 of 4 stars). 12 submissions from 11 submitters: Benign (5); Likely benign (4). 3 of the submissions do not count toward it. Last evaluated 2026-07-01.

Conditions:
MYH9-related disorder. Identifiers: MedGen C1854520.
Autosomal dominant nonsyndromic hearing loss 17. Also called: Autosomal dominant nonsyndromic deafness 17; Deafness, autosomal dominant 17. Identifiers: Orphanet 90635, MedGen C1863659, MONDO:0011350, OMIM 603622.

Allele frequency attached by ClinVar (database versions not stated): 1000 Genomes Project 30x 0.00016; gnomAD 0.00156 and 0.00147; ESP Exome Variant Server 0.00192; 1000 Genomes Project 0.00020; TOPMed 0.00139; gnomAD exomes 0.00148 and 0.00279; ExAC 0.00153.
gnomAD v4.1: 4,224 of 1,613,818 alleles (0.26%); highest among the groups gnomAD compares: Non-Finnish European, 0.34%; 15 homozygotes.

Submissions (12):

CeGaT Center for Human Genetics Tuebingen
Classification: Benign. Last evaluated: 2026-07-01. Review status: criteria provided, single submitter. Criteria: CeGaT Center For Human Genetics Tuebingen Variant Classification Criteria Version 2. Collection method: clinical testing. Allele origin: germline. Affected: yes. Observed: 7 variant alleles.
Comment: MYH9: BS1, BS2

Labcorp Genetics (formerly Invitae), Labcorp
Classification: Benign. Last evaluated: 2026-01-01. Review status: criteria provided, single submitter. Criteria: Invitae Variant Classification Sherloc (09022015). Collection method: clinical testing. Allele origin: germline.

Blueprint Genetics
Classification: Likely benign. Last evaluated: 2024-11-26. Review status: criteria provided, single submitter. Criteria: ACMG Guidelines, 2015. Collection method: clinical testing. Allele origin: germline.

ARUP Laboratories, Molecular Genetics and Genomics, ARUP Laboratories
Classification: Likely benign. Last evaluated: 2024-09-20. Review status: criteria provided, single submitter. Criteria: ARUP Molecular Germline Variant Investigation Process 2024. Collection method: clinical testing. Allele origin: germline.

Mayo Clinic Laboratories, Mayo Clinic
Classification: Benign. Last evaluated: 2024-07-19. Review status: criteria provided, single submitter. Criteria: ACMG Guidelines, 2015. Collection method: clinical testing. Allele origin: germline. Observed: 2 variant alleles.
Comment: BS1, BS2, BP4, PP2

GeneDx
Classification: Likely benign. Last evaluated: 2020-10-09. Review status: criteria provided, single submitter. Criteria: GeneDx Variant Classification Process June 2021. Collection method: clinical testing. Allele origin: germline. Affected: yes.
Comment: This variant is associated with the following publications: (PMID: 30720677)

Illumina Laboratory Services, Illumina
Classification: Likely benign for Autosomal dominant nonsyndromic hearing loss 17. Last evaluated: 2018-01-13. Review status: criteria provided, single submitter. Criteria: ICSL Variant Classification Criteria 13 December 2019. Collection method: clinical testing. Allele origin: germline.
Comment: This variant was observed in the ICSL laboratory as part of a predisposition screen in an ostensibly healthy population. It had not been previously curated by ICSL or reported in the Human Gene Mutation Database (HGMD: prior to June 1st, 2018), and was therefore a candidate for classification through an automated scoring system. Utilizing variant allele frequency, disease prevalence and penetrance estimates, and inheritance mode, an automated score was calculated to assess if this variant is too frequent to cause the disease. Based on the score and internal cut-off values, a variant classified as likely benign is not then subjected to further curation. The score for this variant resulted in a classification of likely benign for this disease.

Illumina Laboratory Services, Illumina
Classification: Benign for MYH9-related disorder. Last evaluated: 2018-01-13. Review status: criteria provided, single submitter. Criteria: ICSL Variant Classification Criteria 13 December 2019. Collection method: clinical testing. Allele origin: germline.
Comment: This variant was observed in the ICSL laboratory as part of a predisposition screen in an ostensibly healthy population. It had not been previously curated by ICSL or reported in the Human Gene Mutation Database (HGMD: prior to June 1st, 2018), and was therefore a candidate for classification through an automated scoring system. Utilizing variant allele frequency, disease prevalence and penetrance estimates, and inheritance mode, an automated score was calculated to assess if this variant is too frequent to cause the disease. Based on the score and internal cut-off values, a variant classified as benign is not then subjected to further curation. The score for this variant resulted in a classification of benign for this disease.

Laboratory for Molecular Medicine, Mass General Brigham Personalized Medicine
Classification: Benign. Last evaluated: 2013-01-30. Review status: criteria provided, single submitter. Criteria: LMM Criteria. Collection method: clinical testing. Allele origin: germline. Observed: 12 variant alleles.
Comment: Gly1940Arg in exon 41 of MYH9: This variant is not expected to have clinical sig nificance because it has been identified in 0.3% (25/8600) of European American chromosomes from a broad population by the NHLBI Exome Sequencing Project (dbSNP rs140588099)

PreventionGenetics, part of Exact Sciences
Classification: Likely benign for MYH9-related condition. Last evaluated: 2020-03-06. Review status: no assertion criteria provided. Collection method: clinical testing. Allele origin: germline. Not counted in ClinVar's aggregate classification.
Comment: This variant is classified as likely benign based on ACMG/AMP sequence variant interpretation guidelines (Richards et al. 2015 PMID: 25741868, with internal and published modifications).

Clinical Genetics DNA and cytogenetics Diagnostics Lab, Erasmus MC, Erasmus Medical Center
Classification: Likely benign. Review status: no assertion criteria provided. Collection method: clinical testing. Allele origin: germline. Affected: yes. Study: VKGL Data-share Consensus. Not counted in ClinVar's aggregate classification.

Genome Diagnostics Laboratory, University Medical Center Utrecht
Classification: Likely benign. Review status: no assertion criteria provided. Collection method: clinical testing. Allele origin: germline. Affected: yes. Study: VKGL Data-share Consensus. Not counted in ClinVar's aggregate classification.

Literature cited by the submitters: PubMed 22477015 (cited by Mayo Clinic Laboratories, Mayo Clinic); PubMed 26554828 (cited by Mayo Clinic Laboratories, Mayo Clinic); PubMed 28748566 (cited by Mayo Clinic Laboratories, Mayo Clinic); PubMed 30720677 (cited by Mayo Clinic Laboratories, Mayo Clinic); PubMed 32757236 (cited by Mayo Clinic Laboratories, Mayo Clinic).

NM_002473.6(MYH9):c.5818G>A (p.Gly1940Arg)

Gene: MYH9 (myosin heavy chain 9; minus strand). Cytogenetic location: 22q12.3.
Variant type: single nucleotide variant.
Coding change: c.5818G>A on transcript NM_002473.6 (MANE Select); coding-DNA position 5818, G replaced by A.
Protein change: p.Gly1940Arg; replaces glycine 1940 with arginine.
Molecular consequence: missense variant.
Genome position (GRCh38, 1-based): chr22:36,282,733, C>T on the plus strand (G>A on the coding strand, the complement: MYH9 is on the minus strand). VCF-style: chr22-36282733-C-T. GRCh37 (hg19) VCF-style: chr22-36678779-C-T.
Other names: short protein forms G1940R.
Identifiers: ClinVar variation 44573 (VCV000044573.56), dbSNP rs140588099, ClinGen allele CA134564.